The following is an entry in ClinVar:

NM_001367624.2(ZNF469):c.3016G>A (p.Ala1006Thr)

Gene: ZNF469 (zinc finger protein 469; plus strand). Cytogenetic location: 16q24.2.
Variant type: single nucleotide variant.
Coding change: c.3016G>A on transcript NM_001367624.2 (MANE Select); coding-DNA position 3016, G replaced by A.
Protein change: p.Ala1006Thr; replaces alanine 1006 with threonine.
Molecular consequence: missense variant.
Genome position (GRCh38, 1-based): chr16:88,430,486, G>A. VCF-style: chr16-88430486-G-A. GRCh37 (hg19) VCF-style: chr16-88496894-G-A.
Other names: NM_001127464.1:c.3016G>A; short protein forms A1006T.
Identifiers: ClinVar variation 1375779 (VCV001375779.8), dbSNP rs1320571874, ClinGen allele CA397076822.

ClinVar aggregate classification (germline): Uncertain significance. Review status: criteria provided, multiple submitters, no conflicts (2 of 4 stars). 3 submissions from 3 submitters: Uncertain significance (3). Last evaluated 2025-09-22.

Conditions:
Cardiovascular phenotype. Identifiers: MedGen CN230736.

Allele frequency attached by ClinVar (database versions not stated): TOPMed below 0.00001; gnomAD exomes below 0.00001.
gnomAD v4.1: 6 of 1,423,942 alleles (0.00042%); highest among the groups gnomAD compares: Non-Finnish European, 0.00055%; no homozygotes.

Submissions (3):

Labcorp Genetics (formerly Invitae), Labcorp
Classification: Uncertain significance. Last evaluated: 2025-09-22. Review status: criteria provided, single submitter. Criteria: Invitae Variant Classification Sherloc (09022015). Collection method: clinical testing. Allele origin: germline.
Comment: This sequence change replaces alanine, which is neutral and non-polar, with threonine, which is neutral and polar, at codon 1006 of the ZNF469 protein (p.Ala1006Thr). This variant is not present in population databases (gnomAD no frequency). This variant has not been reported in the literature in individuals affected with ZNF469-related conditions. ClinVar contains an entry for this variant (Variation ID: 1375779). An algorithm developed to predict the effect of missense changes on protein structure and function outputs the following: PolyPhen-2: "Benign". The threonine amino acid residue is found in multiple mammalian species, which suggests that this missense change does not adversely affect protein function. In summary, the available evidence is currently insufficient to determine the role of this variant in disease. Therefore, it has been classified as a Variant of Uncertain Significance.

Ambry Genetics
Classification: Uncertain significance for Cardiovascular phenotype. Last evaluated: 2024-06-17. Review status: criteria provided, single submitter. Criteria: Ambry Variant Classification Scheme 2023. Collection method: clinical testing. Allele origin: germline.
Comment: The p.A1006T variant (also known as c.3016G>A), located in coding exon 1 of the ZNF469 gene, results from a G to A substitution at nucleotide position 3016. The alanine at codon 1006 is replaced by threonine, an amino acid with similar properties. This amino acid position is conserved. In addition, this alteration is predicted to be tolerated by in silico analysis. Based on the available evidence, the clinical significance of this variant remains unclear.

GeneDx
Classification: Uncertain significance. Last evaluated: 2024-05-09. Review status: criteria provided, single submitter. Criteria: GeneDx Variant Classification Process June 2021. Collection method: clinical testing. Allele origin: germline. Affected: yes.
Comment: Has not been previously published as pathogenic or benign to our knowledge; Not observed at significant frequency in large population cohorts (gnomAD); In silico analysis indicates that this missense variant does not alter protein structure/function